The following is an entry in ClinVar:

ClinVar aggregate classification (germline): Uncertain significance (1 of 4 stars; one submission).

Conditions:
Schneckenbecken dysplasia. Identifiers: Orphanet 3144, MedGen C0432194, MONDO:0010013, OMIM 269250.

Submission:

Labcorp Genetics (formerly Invitae), Labcorp
Classification: Uncertain significance for Schneckenbecken dysplasia. Last evaluated: 2022-08-19. Review status: criteria provided, single submitter. Criteria: Invitae Variant Classification Sherloc (09022015). Collection method: clinical testing. Allele origin: germline.
Comment: This sequence change replaces leucine, which is neutral and non-polar, with threonine, which is neutral and polar, at codon 185 of the SLC35D1 protein (p.Leu185Thr). This variant is present in population databases (no rsID available, gnomAD 0.6%). This variant has not been reported in the literature in individuals affected with SLC35D1-related conditions. ClinVar contains an entry for this variant (Variation ID: 1377542). Algorithms developed to predict the effect of missense changes on protein structure and function are either unavailable or do not agree on the potential impact of this missense change (SIFT: "Not Available"; PolyPhen-2: "Benign"; Align-GVGD: "Not Available"). In summary, the available evidence is currently insufficient to determine the role of this variant in disease. Therefore, it has been classified as a Variant of Uncertain Significance.

NM_015139.3(SLC35D1):c.553_554delinsAC (p.Leu185Thr)

Gene: SLC35D1 (solute carrier family 35 member D1; minus strand). Cytogenetic location: 1p31.3.
Variant type: Indel.
Coding change: c.553_554delinsAC on transcript NM_015139.3 (MANE Select); coding-DNA positions 553 to 554, CT replaced by AC.
Protein change: p.Leu185Thr; replaces leucine 185 with threonine.
Molecular consequence: missense variant.
Genome position (GRCh38, 1-based): chr1:67,047,347-67,047,348, AG replaced by GT on the plus strand (CT replaced by AC on the coding strand, the reverse complement: SLC35D1 is on the minus strand). VCF-style: chr1-67047347-AG-GT. GRCh37 (hg19) VCF-style: chr1-67513030-AG-GT.
Other names: short protein forms L185T.
Identifiers: ClinVar variation 1377542 (VCV001377542.3), dbSNP rs2102361914, ClinGen allele CA2573132492.
Genomic context (GRCh38, chr1:67,047,347, plus strand): 5'-ACGTATGCACCATTTGCTGCTGTTAGGACATCGTTTATCAGAATAAAAGCATATCCTTCC[AG>GT]ATCAAATGCCAAGTCAGAGCTGCAAAACATAAGCAACACTTTAAGAACAACTTAAAGAAC-3'
Protein context (NP_055954.1, residues 175-195): VAASSDLAFD[Leu185Thr]EGYAFILIND